The following is an entry in ClinVar:

ClinVar aggregate classification (germline): Benign/Likely benign. Review status: criteria provided, multiple submitters, no conflicts (2 of 4 stars). 3 submissions from 3 submitters: Benign (1); Likely benign (2). Last evaluated 2026-02-01.

Allele frequency attached by ClinVar (database versions not stated): gnomAD exomes 0.00078 and 0.00201; ExAC 0.00244; 1000 Genomes Project 30x 0.00671; 1000 Genomes Project 0.00719; gnomAD 0.00760 and 0.00819; ESP Exome Variant Server 0.00854; TOPMed 0.00875.
gnomAD v4.1: 2,311 of 1,613,198 alleles (0.14%); highest among the groups gnomAD compares: African/African-American, 2.7%; 25 homozygotes.

Submissions (3):

Labcorp Genetics (formerly Invitae), Labcorp
Classification: Benign. Last evaluated: 2026-02-01. Review status: criteria provided, single submitter. Criteria: Invitae Variant Classification Sherloc (09022015). Collection method: clinical testing. Allele origin: germline.

Mayo Clinic Laboratories, Mayo Clinic
Classification: Likely benign. Last evaluated: 2025-09-05. Review status: criteria provided, single submitter. Criteria: ACMG Guidelines, 2015. Collection method: clinical testing. Allele origin: germline. Observed: 24 variant alleles.
Comment: BS2, BP4, BP7

GeneDx
Classification: Likely benign. Last evaluated: 2019-07-26. Review status: criteria provided, single submitter. Criteria: GeneDx Variant Classification Process June 2021. Collection method: clinical testing. Allele origin: germline. Affected: yes.

NM_001261826.3(AP3D1):c.2109C>T (p.Pro703=)

Gene: AP3D1 (adaptor related protein complex 3 subunit delta 1; minus strand). Cytogenetic location: 19p13.3.
Variant type: single nucleotide variant.
Coding change: c.2109C>T on transcript NM_001261826.3 (MANE Select); coding-DNA position 2109, C replaced by T.
Protein change: p.Pro703=; no amino-acid change (proline 703 retained).
Molecular consequence: synonymous variant.
Genome position (GRCh38, 1-based): chr19:2,115,578, G>A on the plus strand (C>T on the coding strand, the complement: AP3D1 is on the minus strand). VCF-style: chr19-2115578-G-A. GRCh37 (hg19) VCF-style: chr19-2115577-G-A.
Other names: p.Pro703=; c.2109C>T, p.Pro703= (NM_001374799.1, NM_003938.8).
Identifiers: ClinVar variation 730352 (VCV000730352.12), dbSNP rs34286317, ClinGen allele CA9059018.